The following is an entry in ClinVar:

ClinVar aggregate classification (germline): Likely benign (0 of 4 stars; one submission).

Conditions:
LEPR-related disorder. Also called: LEPR-related disorders; LEPR-related condition.

Allele frequency attached by ClinVar (database versions not stated): gnomAD 0.00021.

Submission:

PreventionGenetics, part of Exact Sciences
Classification: Likely benign for LEPR-related condition. Last evaluated: 2020-08-21. Review status: no assertion criteria provided. Collection method: clinical testing. Allele origin: germline.
Comment: This variant is classified as likely benign based on ACMG/AMP sequence variant interpretation guidelines (Richards et al. 2015 PMID: 25741868, with internal and published modifications).

NM_002303.6(LEPR):c.2674-5781dup

Gene: LEPR (leptin receptor; plus strand). Cytogenetic location: 1p31.3.
Variant type: Duplication.
Coding change: c.2674-5781dup on transcript NM_002303.6 (MANE Select); 5781 bases into the intron before coding-DNA position 2674, one base duplicated (T; older notation c.2674-5781dupT).
Molecular consequence: intron variant. On other transcripts: 3 prime UTR variant (2).
Genome position (GRCh38, 1-based): chr1:65,630,410, T duplicated. VCF-style (leftmost placement, unchanged base first): chr1-65630409-A-AT. GRCh37 (hg19) VCF-style: chr1-66096092-A-AT.
Other names: c.*5dup (NM_001003680.3, NM_001198687.2); c.2674-2742dup (NM_001003679.3, NM_001198689.2); c.2674-2742dupT (NM_001003679.3).
Identifiers: ClinVar variation 3057576 (VCV003057576.2), dbSNP rs1470997742, ClinGen allele CA523593553.